The following is an entry in ClinVar:

ClinVar aggregate classification (germline): Uncertain significance (1 of 4 stars; one submission).

Allele frequency attached by ClinVar (database versions not stated): gnomAD exomes 0.00001; ExAC 0.00002; gnomAD 0.00003; TOPMed 0.00003; ESP Exome Variant Server 0.00008.

Submission:

Labcorp Genetics (formerly Invitae), Labcorp
Classification: Uncertain significance. Last evaluated: 2025-08-15. Review status: criteria provided, single submitter. Criteria: Invitae Variant Classification Sherloc (09022015). Collection method: clinical testing. Allele origin: germline.
Comment: This sequence change replaces glutamic acid, which is acidic and polar, with lysine, which is basic and polar, at codon 360 of the MNX1 protein (p.Glu360Lys). This variant is present in population databases (rs144880100, gnomAD 0.004%). This variant has not been reported in the literature in individuals affected with MNX1-related conditions. ClinVar contains an entry for this variant (Variation ID: 1918717). An algorithm developed to predict the effect of missense changes on protein structure and function (PolyPhen-2) suggests that this variant is likely to be disruptive. In summary, the available evidence is currently insufficient to determine the role of this variant in disease. Therefore, it has been classified as a Variant of Uncertain Significance.

NM_005515.4(MNX1):c.1078G>A (p.Glu360Lys)

Gene: MNX1 (motor neuron and pancreas homeobox 1; minus strand). Cytogenetic location: 7q36.3.
Variant type: single nucleotide variant.
Coding change: c.1078G>A on transcript NM_005515.4 (MANE Select); coding-DNA position 1078, G replaced by A.
Protein change: p.Glu360Lys; replaces glutamic acid 360 with lysine.
Molecular consequence: missense variant.
Genome position (GRCh38, 1-based): chr7:157,005,648, C>T on the plus strand (G>A on the coding strand, the complement: MNX1 is on the minus strand). VCF-style: chr7-157005648-C-T. GRCh37 (hg19) VCF-style: chr7-156798342-C-T.
Other names: c.442G>A, p.Glu148Lys (NM_001165255.2); short protein forms E148K, E360K.
Identifiers: ClinVar variation 1918717 (VCV001918717.5), dbSNP rs144880100, ClinGen allele CA4589123.